The following is an entry in ClinVar:

NM_031935.3(HMCN1):c.13442C>A (p.Ser4481Tyr)

Gene: HMCN1 (hemicentin 1; plus strand). Cytogenetic location: 1q31.1.
Variant type: single nucleotide variant.
Coding change: c.13442C>A on transcript NM_031935.3 (MANE Select); coding-DNA position 13442, C replaced by A.
Protein change: p.Ser4481Tyr; replaces serine 4481 with tyrosine.
Molecular consequence: missense variant.
Genome position (GRCh38, 1-based): chr1:186,136,797, C>A. VCF-style: chr1-186136797-C-A. GRCh37 (hg19) VCF-style: chr1-186105929-C-A.
Other names: short protein forms S4481Y.
Identifiers: ClinVar variation 294266 (VCV000294266.10), dbSNP rs747405345, ClinGen allele CA1294663.

ClinVar aggregate classification (germline): Uncertain significance. Review status: criteria provided, multiple submitters, no conflicts (2 of 4 stars). 3 submissions from 3 submitters: Uncertain significance (3). Last evaluated 2023-04-11.

Conditions:
Age related macular degeneration 1 (ARMD1). Also called: MACULOPATHY, AGE-RELATED, 1. Identifiers: MedGen C1864205, MONDO:0011285, OMIM 603075.

Allele frequency attached by ClinVar (database versions not stated): gnomAD exomes 0.00006; TOPMed 0.00007; ExAC 0.00007; gnomAD 0.00008 and 0.00006.
gnomAD v4.1: 104 of 1,613,872 alleles (0.0064%); highest among the groups gnomAD compares: Middle Eastern, 0.016%; no homozygotes.

Submissions (3):

Genome-Nilou Lab
Classification: Uncertain significance for Age related macular degeneration 1. Last evaluated: 2023-04-11. Review status: criteria provided, single submitter. Criteria: ACMG Guidelines, 2015. Collection method: clinical testing. Allele origin: germline. Affected: no.

Labcorp Genetics (formerly Invitae), Labcorp
Classification: Uncertain significance. Last evaluated: 2022-05-27. Review status: criteria provided, single submitter. Criteria: Invitae Variant Classification Sherloc (09022015). Collection method: clinical testing. Allele origin: germline.
Comment: This variant has not been reported in the literature in individuals affected with HMCN1-related conditions. This variant is present in population databases (rs747405345, gnomAD 0.01%). This sequence change replaces serine, which is neutral and polar, with tyrosine, which is neutral and polar, at codon 4481 of the HMCN1 protein (p.Ser4481Tyr). ClinVar contains an entry for this variant (Variation ID: 294266). In summary, the available evidence is currently insufficient to determine the role of this variant in disease. Therefore, it has been classified as a Variant of Uncertain Significance. Algorithms developed to predict the effect of missense changes on protein structure and function (SIFT, PolyPhen-2, Align-GVGD) all suggest that this variant is likely to be tolerated.

Illumina Laboratory Services, Illumina
Classification: Uncertain significance for Age related macular degeneration 1. Last evaluated: 2018-01-12. Review status: criteria provided, single submitter. Criteria: ICSL Variant Classification Criteria 13 December 2019. Collection method: clinical testing. Allele origin: germline.